The following is an entry in ClinVar:

NM_004990.4(MARS1):c.478G>T (p.Ala160Ser)

Gene: MARS1 (methionyl-tRNA synthetase 1; plus strand). Cytogenetic location: 12q13.3.
Variant type: single nucleotide variant.
Coding change: c.478G>T on transcript NM_004990.4 (MANE Select); coding-DNA position 478, G replaced by T.
Protein change: p.Ala160Ser; replaces alanine 160 with serine.
Molecular consequence: missense variant.
Genome position (GRCh38, 1-based): chr12:57,489,959, G>T. VCF-style: chr12-57489959-G-T. GRCh37 (hg19) VCF-style: chr12-57883742-G-T.
Other names: short protein forms A160S.
Identifiers: ClinVar variation 2922383 (VCV002922383.3), dbSNP rs764006401, ClinGen allele CA385491733.

ClinVar aggregate classification (germline): Uncertain significance (1 of 4 stars; one submission).

Conditions:
Charcot-Marie-Tooth disease axonal type 2U. Also called: CHARCOT-MARIE-TOOTH NEUROPATHY, TYPE 2U; CHARCOT-MARIE-TOOTH DISEASE, AXONAL, AUTOSOMAL DOMINANT, TYPE 2U. Identifiers: Orphanet 397735, MedGen C4084821, MONDO:0014566, OMIM 616280.
Severe early-onset pulmonary alveolar proteinosis due to MARS deficiency. Also called: PULMONARY ALVEOLAR PROTEINOSIS, REUNION ISLAND; Interstitial lung and liver disease. Identifiers: Orphanet 440427, MedGen C4225400, MONDO:0014206, OMIM 615486.

Submission:

Labcorp Genetics (formerly Invitae), Labcorp
Classification: Uncertain significance for Charcot-Marie-Tooth disease axonal type 2U; Severe early-onset pulmonary alveolar proteinosis due to MARS deficiency. Last evaluated: 2024-01-22. Review status: criteria provided, single submitter. Criteria: Invitae Variant Classification Sherloc (09022015). Collection method: clinical testing. Allele origin: germline.
Comment: This sequence change replaces alanine, which is neutral and non-polar, with serine, which is neutral and polar, at codon 160 of the MARS protein (p.Ala160Ser). This variant is not present in population databases (gnomAD no frequency). This variant has not been reported in the literature in individuals affected with MARS-related conditions. Algorithms developed to predict the effect of missense changes on protein structure and function output the following: SIFT: "Not Available"; PolyPhen-2: "Benign"; Align-GVGD: "Not Available". The serine amino acid residue is found in multiple mammalian species, which suggests that this missense change does not adversely affect protein function. Algorithms developed to predict the effect of sequence changes on RNA splicing suggest that this variant may disrupt the consensus splice site. In summary, the available evidence is currently insufficient to determine the role of this variant in disease. Therefore, it has been classified as a Variant of Uncertain Significance.